The following is an entry in ClinVar:

NM_000214.3(JAG1):c.1253C>A (p.Ala418Asp)

Gene: JAG1 (jagged canonical Notch ligand 1; minus strand). Cytogenetic location: 20p12.2.
Variant type: single nucleotide variant.
Coding change: c.1253C>A on transcript NM_000214.3 (MANE Select); coding-DNA position 1253, C replaced by A.
Protein change: p.Ala418Asp; replaces alanine 418 with aspartic acid.
Molecular consequence: missense variant.
Genome position (GRCh38, 1-based): chr20:10,649,617, G>T on the plus strand (C>A on the coding strand, the complement: JAG1 is on the minus strand). VCF-style: chr20-10649617-G-T. GRCh37 (hg19) VCF-style: chr20-10630265-G-T.
Other names: short protein forms A418D.
Identifiers: ClinVar variation 3658094 (VCV003658094.2).
Genomic context (GRCh38, chr20:10,649,617, plus strand): 5'-CAGTCGCAGTAGTAGCTGGCAATGAGATTCTTACAGGATTTGGCGTTTACACAAGGTTTG[G>T]CCTCACATTCATTTGCATCTGAAAGGAGATGGGGATGAGCATGAGAAATGAAGTTCAACC-3'
Protein context (NP_000205.1, residues 408-428): TCQLDANECE[Ala418Asp]KPCVNAKSCK

ClinVar aggregate classification (germline): Uncertain significance (1 of 4 stars; one submission).

Conditions:
Alagille syndrome due to a JAG1 point mutation. Also called: Alagille Syndrome 1; JAG1-Related Alagille Syndrome; HEPATIC DUCTULAR HYPOPLASIA, SYNDROMATIC. Identifiers: Orphanet 261619, Orphanet 52, MedGen C1956125, MONDO:0016862, OMIM 118450.

Submission:

Labcorp Genetics (formerly Invitae), Labcorp
Classification: Uncertain significance for Alagille syndrome due to a JAG1 point mutation. Last evaluated: 2024-10-31. Review status: criteria provided, single submitter. Criteria: Invitae Variant Classification Sherloc (09022015). Collection method: clinical testing. Allele origin: germline.
Comment: This sequence change replaces alanine, which is neutral and non-polar, with aspartic acid, which is acidic and polar, at codon 418 of the JAG1 protein (p.Ala418Asp). This variant is not present in population databases (gnomAD no frequency). This variant has not been reported in the literature in individuals affected with JAG1-related conditions. Invitae Evidence Modeling of protein sequence and biophysical properties (such as structural, functional, and spatial information, amino acid conservation, physicochemical variation, residue mobility, and thermodynamic stability) indicates that this missense variant is not expected to disrupt JAG1 protein function with a negative predictive value of 95%. In summary, the available evidence is currently insufficient to determine the role of this variant in disease. Therefore, it has been classified as a Variant of Uncertain Significance.